The following is an entry in ClinVar:

NM_005334.3(HCFC1):c.4179GGC[4] (p.Ala1396_Pro1397insAla)

Gene: HCFC1 (host cell factor C1; minus strand). Cytogenetic location: Xq28.
Variant type: Microsatellite.
Coding change: c.4179GGC[4] on transcript NM_005334.3 (MANE Select); four copies in a row of the 3-base unit GGC starting at c.4179; the reference has three copies in a row; one copy, 3 bases duplicated.
Protein change: p.Ala1396_Pro1397insAla.
Molecular consequence: inframe insertion.
Genome position (GRCh38, 1-based): chrX:153,954,212-153,954,214, GCC duplicated on the plus strand (GGC on the coding strand, the reverse complement: HCFC1 is on the minus strand); duplicating any 3 consecutive bases within chrX:153,954,212-153,954,220 gives the same sequence; the position shown is the placement nearest the transcript's 3' end. VCF-style (leftmost placement, unchanged base first): chrX-153954211-T-TGCC. GRCh37 (hg19) VCF-style: chrX-153219662-T-TGCC.
Other names: c.4179GGC[4], p.Ala1396_Pro1397insAla (NM_001410705.1).
Identifiers: ClinVar variation 3026725 (VCV003026725.22), dbSNP rs1926801011, ClinGen allele CA2740090201.

ClinVar aggregate classification (germline): Uncertain significance (1 of 4 stars; one submission).

Submission:

CeGaT Center for Human Genetics Tuebingen
Classification: Uncertain significance. Last evaluated: 2023-12-01. Review status: criteria provided, single submitter. Criteria: CeGaT Center For Human Genetics Tuebingen Variant Classification Criteria Version 2. Collection method: clinical testing. Allele origin: germline. Affected: yes. Observed: 1 variant allele.
Comment: HCFC1: PM2, PM4:Supporting